The following is an entry in ClinVar:

ClinVar aggregate classification (germline): Pathogenic/Likely pathogenic. Review status: criteria provided, multiple submitters, no conflicts (2 of 4 stars). 3 submissions from 3 submitters: Pathogenic (2); Likely pathogenic (1). Last evaluated 2025-02-14.

Submissions (3):

Dasa
Classification: Pathogenic. Last evaluated: 2025-02-14. Review status: criteria provided, single submitter. Criteria: DASA Assertion Criteria. Collection method: clinical testing. Allele origin: germline.
Comment: NM_001320.7(CSNK2B):c.292-2A>T introduces a premature termination codon predicted to result in loss of normal protein function. Loss-of-function is an established mechanism of disease for this gene. This variant results in the same amino acid change as a previously established pathogenic variant. Functional evidence supports a deleterious effect on the gene or gene product (PMID: 34370157). This variant has been reported in individuals with related phenotype (PMID: 34370157). The variant is present at low frequency in population datasets. Based on the available data, this variant is classified as pathogenic.

GeneDx
Classification: Pathogenic. Last evaluated: 2023-05-31. Review status: criteria provided, single submitter. Criteria: GeneDx Variant Classification Process June 2021. Collection method: clinical testing. Allele origin: germline. Affected: yes.
Comment: Published functional studies suggest skipping of exon 5 (Yang et al., 2021); Canonical splice site variant predicted to result in a null allele in a gene for which loss of function is a known mechanism of disease; Not observed at significant frequency in large population cohorts (gnomAD); This variant is associated with the following publications: (PMID: 34370157)

CeGaT Center for Human Genetics Tuebingen
Classification: Likely pathogenic. Last evaluated: 2021-06-01. Review status: criteria provided, single submitter. Criteria: CeGaT Center For Human Genetics Tuebingen Variant Classification Criteria Version 2. Collection method: clinical testing. Allele origin: germline. Affected: yes. Observed: 1 variant allele.

Literature cited by the submitters: PubMed 34370157 (cited by Dasa).

NM_001320.7(CSNK2B):c.292-2A>T

Gene: CSNK2B (casein kinase 2 beta; plus strand). Cytogenetic location: 6p21.33.
Variant type: single nucleotide variant.
Coding change: c.292-2A>T on transcript NM_001320.7 (MANE Select); the canonical splice acceptor site of the intron before coding-DNA position 292, A replaced by T.
Molecular consequence: splice acceptor variant.
Genome position (GRCh38, 1-based): chr6:31,669,095, A>T. VCF-style: chr6-31669095-A-T. GRCh37 (hg19) VCF-style: chr6-31636872-A-T.
Other names: c.292-2A>T (NM_001282385.2).
Identifiers: ClinVar variation 1176189 (VCV001176189.36), dbSNP rs1802000298, ClinGen allele CA363474309.